The following is an entry in ClinVar:

NM_000138.5(FBN1):c.266G>A (p.Cys89Tyr)

Gene: FBN1 (fibrillin 1; minus strand). Cytogenetic location: 15q21.1.
Variant type: single nucleotide variant.
Coding change: c.266G>A on transcript NM_000138.5 (MANE Select); coding-DNA position 266, G replaced by A.
Protein change: p.Cys89Tyr; replaces cysteine 89 with tyrosine.
Molecular consequence: missense variant.
Genome position (GRCh38, 1-based): chr15:48,610,808, C>T on the plus strand (G>A on the coding strand, the complement: FBN1 is on the minus strand). VCF-style: chr15-48610808-C-T. GRCh37 (hg19) VCF-style: chr15-48903005-C-T.
Other names: p.C89Y:TGT>TAT; short protein forms C89Y.
Identifiers: ClinVar variation 200141 (VCV000200141.38), dbSNP rs112660651, ClinGen allele CA013275.
Genomic context (GRCh38, chr15:48,610,808, plus strand): 5'-GGAGCTATCTGACCAGATGGGCAAGTGCACATATTTGGCCTCGAACAAAATCCATCCCCA[C>T]AGGAATGCCGGCAAATGGCTGTGAATAAACCAGAGGTCTGTTAGCACATGGATTTGGAAC-3'
Protein context (NP_000129.3, residues 79-99): QCIVPICRHS[Cys89Tyr]GDGFCSRPNM

ClinVar aggregate classification (germline): Pathogenic/Likely pathogenic. Review status: criteria provided, multiple submitters, no conflicts (2 of 4 stars). 7 submissions from 7 submitters: Pathogenic (5); Likely pathogenic (1). 1 of the submissions does not count toward it. Last evaluated 2024-02-22.

Conditions:
Marfan syndrome (MFS). Also called: MARFAN SYNDROME, TYPE I; FBN1-Related Marfan Syndrome; Marfan syndrome, classic; Marfan syndrome type 1; Marfan's syndrome. Identifiers: Orphanet 284963, Orphanet 558, MedGen C0024796, MONDO:0007947, OMIM 154700.
Familial thoracic aortic aneurysm and aortic dissection (TAAD). Also called: Thoracic aortic aneurysms and dissections. Identifiers: Orphanet 91387, MedGen C4707243, MONDO:0019625.
FBN1-related disorder. Also called: FBN1-related disorders.

Submissions (7):

GeneDx
Classification: Pathogenic. Last evaluated: 2024-02-22. Review status: criteria provided, single submitter. Criteria: GeneDx Variant Classification Process June 2021. Collection method: clinical testing. Allele origin: germline. Affected: yes.
Comment: Reported in multiple unrelated individuals with Marfan syndrome or suspected Marfan syndrome (PMID: 17253931, 17663468, 19293843, 25907466); Not observed at significant frequency in large population cohorts (gnomAD); Affects a cysteine residue within an EGF-like domain of the FBN1 gene, which may affect disulfide bonding and is predicted to alter the structure and function of the protein; cysteine substitutions in the EGF-like domains represent the majority of pathogenic missense changes associated with FBN1-related disorders (PMID: 12938084); In silico analysis supports that this missense variant has a deleterious effect on protein structure/function; This variant is associated with the following publications: (PMID: 19293843, 17663468, 19720936, 24941995, 25907466, 11700157, 24035709, 31825148, 31730815, 35058154, 17253931, 12938084)

Laboratory of Medical Genetics, National & Kapodistrian University of Athens
Classification: Pathogenic for Marfan syndrome. Last evaluated: 2023-05-04. Review status: criteria provided, single submitter. Criteria: ACMG Guidelines, 2015. Collection method: clinical testing. Allele origin: germline. Affected: yes.
Comment: PS4, PM1, PM2, PM5, PP3, PP5

Labcorp Genetics (formerly Invitae), Labcorp
Classification: Pathogenic for Marfan syndrome; Familial thoracic aortic aneurysm and aortic dissection. Last evaluated: 2022-07-11. Review status: criteria provided, single submitter. Criteria: Invitae Variant Classification Sherloc (09022015). Collection method: clinical testing. Allele origin: germline.
Comment: For these reasons, this variant has been classified as Pathogenic. Advanced modeling of protein sequence and biophysical properties (such as structural, functional, and spatial information, amino acid conservation, physicochemical variation, residue mobility, and thermodynamic stability) performed at Invitae indicates that this missense variant is expected to disrupt FBN1 protein function. ClinVar contains an entry for this variant (Variation ID: 200141). This missense change has been observed in individual(s) with Marfan syndrome (PMID: 12938084, 17253931, 19293843, 19720936). In at least one individual the variant was observed to be de novo. This variant is not present in population databases (gnomAD no frequency). This sequence change replaces cysteine, which is neutral and slightly polar, with tyrosine, which is neutral and polar, at codon 89 of the FBN1 protein (p.Cys89Tyr).

Centre of Medical Genetics, University of Antwerp
Classification: Likely pathogenic for Marfan syndrome. Last evaluated: 2021-03-01. Review status: criteria provided, single submitter. Criteria: Submitter's publication. Collection method: research. Allele origin: unknown. Affected: yes.
Comment: PM2, PS1, PP4

Blueprint Genetics
Classification: Pathogenic for FBN1-related disorders. Last evaluated: 2018-10-19. Review status: criteria provided, single submitter. Criteria: ACMG Guidelines, 2015. Collection method: clinical testing. Allele origin: germline. Affected: yes. Observed: 1 variant allele.

Ambry Genetics
Classification: Pathogenic for Familial thoracic aortic aneurysm and aortic dissection. Last evaluated: 2016-09-13. Review status: criteria provided, single submitter. Criteria: Ambry Variant Classification Scheme 2023. Collection method: clinical testing. Allele origin: germline.
Comment: The p.C89Y pathogenic mutation (also known as c.266G>A), located in coding exon 3 of the FBN1 gene, results from a G to A substitution at nucleotide position 266. The cysteine at codon 89 is replaced by tyrosine, an amino acid with highly dissimilar properties, and is located in the cbEGF-like #01 domain. The majority of FBN1 mutations identified to date have involved the substitution or generation of cysteine residues within cbEGF domains (Vollbrandt T et al. J Biol Chem. 2004;279(31):32924-32931). Internal structural analysis has suggested that this alteration eliminates a structurally important disulfide motif within a cbEGF domain involved in oligomerization of FBN1. This alteration has been detected in several individuals diagnosed with Marfan syndrome (MFS) (Pilop C et al. Circulation. 2009;120(11):983-91). In one study, this alteration was described to occur likely de novo in an individual with classic MFS (Stheneur C et al. Eur J Hum Genet. 2009;17:1121-8). Based on the supporting evidence, p.C89Y is interpreted as a disease-causing mutation.

Center for Medical Genetics Ghent, University of Ghent
Classification: Likely pathogenic for Marfan syndrome. Last evaluated: 2017-11-07. Review status: no assertion criteria provided. Collection method: clinical testing. Allele origin: germline. Affected: yes. Not counted in ClinVar's aggregate classification.

Literature cited by the submitters: PubMed 12938084 (cited by Labcorp Genetics (formerly Invitae), Labcorp); PubMed 17253931 (cited by Labcorp Genetics (formerly Invitae), Labcorp and Ambry Genetics); PubMed 19293843 (cited by Labcorp Genetics (formerly Invitae), Labcorp and Ambry Genetics); PubMed 19720936 (cited by Labcorp Genetics (formerly Invitae), Labcorp and Ambry Genetics); PubMed 11700157 (cited by Ambry Genetics); PubMed 17663468 (cited by Ambry Genetics); PubMed 25907466 (cited by Ambry Genetics).